The following is an entry in ClinVar:

NM_138713.4(NFAT5):c.3205G>A (p.Glu1069Lys)

Gene: NFAT5 (nuclear factor of activated T cells 5; plus strand). Cytogenetic location: 16q22.1.
Variant type: single nucleotide variant.
Coding change: c.3205G>A on transcript NM_138713.4 (MANE Select); coding-DNA position 3205, G replaced by A.
Protein change: p.Glu1069Lys; replaces glutamic acid 1069 with lysine.
Molecular consequence: missense variant.
Genome position (GRCh38, 1-based): chr16:69,693,030, G>A. VCF-style: chr16-69693030-G-A. GRCh37 (hg19) VCF-style: chr16-69726933-G-A.
Other names: c.3202G>A, p.Glu1068Lys (NM_001113178.3); c.2530G>A, p.Glu844Lys (NM_001367709.1); c.3151G>A, p.Glu1051Lys (NM_006599.4); c.2923G>A, p.Glu975Lys (NM_138714.4, NM_173214.3, NM_173215.3); short protein forms E975K, E1051K, E1068K, E1069K, E844K.
Identifiers: ClinVar variation 4692802 (VCV004692802.1).

ClinVar aggregate classification (germline): Uncertain significance (1 of 4 stars; one submission).

Conditions:
Immunodeficiency. Identifiers: MedGen C0021051, MONDO:0021094, HP:0002721.

gnomAD v4.1: 1 of 1,614,054 alleles (0.000062%); highest among the groups gnomAD compares: Non-Finnish European, 0.000085%; no homozygotes.

Submission:

Labcorp Genetics (formerly Invitae), Labcorp
Classification: Uncertain significance for Immunodeficiency. Last evaluated: 2026-01-22. Review status: criteria provided, single submitter. Criteria: Invitae Variant Classification Sherloc (09022015). Collection method: clinical testing. Allele origin: germline.
Comment: This sequence change replaces glutamic acid, which is acidic and polar, with lysine, which is basic and polar, at codon 975 of the NFAT5 protein (p.Glu975Lys). This variant is not present in population databases (gnomAD no frequency). This variant has not been reported in the literature in individuals affected with NFAT5-related conditions. An algorithm developed to predict the effect of missense changes on protein structure and function (PolyPhen-2) suggests that this variant is likely to be tolerated. In summary, the available evidence is currently insufficient to determine the role of this variant in disease. Therefore, it has been classified as a Variant of Uncertain Significance.